The following is an entry in ClinVar:

ClinVar aggregate classification (germline): Uncertain significance (1 of 4 stars; one submission).

Submission:

CeGaT Center for Human Genetics Tuebingen
Classification: Uncertain significance. Last evaluated: 2023-08-01. Review status: criteria provided, single submitter. Criteria: CeGaT Center For Human Genetics Tuebingen Variant Classification Criteria Version 2. Collection method: clinical testing. Allele origin: germline. Affected: yes. Observed: 1 variant allele.
Comment: ITSN2: PM2, BP4

NM_006277.3(ITSN2):c.4388A>G (p.Tyr1463Cys)

Gene: ITSN2 (intersectin 2; minus strand). Cytogenetic location: 2p23.3.
Variant type: single nucleotide variant.
Coding change: c.4388A>G on transcript NM_006277.3 (MANE Select); coding-DNA position 4388, A replaced by G.
Protein change: p.Tyr1463Cys; replaces tyrosine 1463 with cysteine.
Molecular consequence: missense variant.
Genome position (GRCh38, 1-based): chr2:24,209,903, T>C on the plus strand (A>G on the coding strand, the complement: ITSN2 is on the minus strand). VCF-style: chr2-24209903-T-C. GRCh37 (hg19) VCF-style: chr2-24432772-T-C.
Other names: c.4307A>G, p.Tyr1436Cys (NM_019595.4); c.4346A>G, p.Tyr1449Cys (NM_001348181.2); c.4268A>G, p.Tyr1423Cys (NM_001348182.2); short protein forms Y1423C, Y1436C, Y1449C, Y1463C.
Identifiers: ClinVar variation 2650713 (VCV002650713.24), dbSNP rs2465510233, ClinGen allele CA346032453.